The following is an entry in ClinVar:

NM_002485.5(NBN):c.2155C>G (p.Leu719Val)

Gene: NBN (nibrin; minus strand). Cytogenetic location: 8q21.3.
Variant type: single nucleotide variant.
Coding change: c.2155C>G on transcript NM_002485.5 (MANE Select); coding-DNA position 2155, C replaced by G.
Protein change: p.Leu719Val; replaces leucine 719 with valine.
Molecular consequence: missense variant.
Genome position (GRCh38, 1-based): chr8:89,943,282, G>C on the plus strand (C>G on the coding strand, the complement: NBN is on the minus strand). VCF-style: chr8-89943282-G-C. GRCh37 (hg19) VCF-style: chr8-90955510-G-C.
Other names: c.1909C>G, p.Leu637Val (NM_001024688.3); short protein forms L719V, L637V.
Identifiers: ClinVar variation 628470 (VCV000628470.9), dbSNP rs1563508063, ClinGen allele CA371675389.
Genomic context (GRCh38, chr8:89,943,282, plus strand): 5'-AGCAAGTTTCTGGGCCTCACTTCCTACTAACCTCCATTTCCTGCCTTAGCCACTCTTCTA[G>C]TTCTGTATTCTTTCGAGCATGATGAGCTATTAGATCTGATCCTCCAATGATGTGTGGAAG-3'
Protein context (NP_002476.2, residues 709-729): IAHHARKNTE[Leu719Val]EEWLRQEMEV

ClinVar aggregate classification (germline): Uncertain significance. Review status: criteria provided, multiple submitters, no conflicts (2 of 4 stars). 2 submissions from 2 submitters: Uncertain significance (2). Last evaluated 2026-07-30.

Conditions:
Microcephaly, normal intelligence and immunodeficiency (NBS). Also called: Microcephaly with normal intelligence immunodeficiency and lymphoreticular malignancies; Nonsyndromal microcephaly autosomal recessive with normal intelligence; Seemanova syndrome 2; IMMUNODEFICIENCY, MICROCEPHALY, AND CHROMOSOMAL INSTABILITY; BERLIN BREAKAGE SYNDROME; SEEMANOVA SYNDROME II. Identifiers: Orphanet 647, MedGen C0398791, MONDO:0009623, OMIM 251260.
Hereditary cancer-predisposing syndrome. Also called: Neoplastic Syndromes, Hereditary; Hereditary Cancer Syndrome; Hereditary neoplastic syndrome; Tumor predisposition. Identifiers: Orphanet 140162, MedGen C0027672, MeSH D009386, MONDO:0015356.

Submissions (2):

Ambry Genetics
Classification: Uncertain significance for Hereditary cancer-predisposing syndrome. Last evaluated: 2026-07-30. Review status: criteria provided, single submitter. Criteria: Ambry Variant Classification Scheme 2023. Collection method: clinical testing. Allele origin: germline.
Comment: The p.L719V variant (also known as c.2155C>G), located in coding exon 14 of the NBN gene, results from a C to G substitution at nucleotide position 2155. The leucine at codon 719 is replaced by valine, an amino acid with highly similar properties. This amino acid position is conserved. In addition, this alteration is predicted to be tolerated by in silico analysis. Based on the available evidence, the clinical significance of this variant remains unclear.

Labcorp Genetics (formerly Invitae), Labcorp
Classification: Uncertain significance for Microcephaly, normal intelligence and immunodeficiency. Last evaluated: 2021-10-08. Review status: criteria provided, single submitter. Criteria: Invitae Variant Classification Sherloc (09022015). Collection method: clinical testing. Allele origin: germline.
Comment: Algorithms developed to predict the effect of missense changes on protein structure and function are either unavailable or do not agree on the potential impact of this missense change (SIFT: "Tolerated"; PolyPhen-2: "Probably Damaging"; Align-GVGD: "Class C0"). ClinVar contains an entry for this variant (Variation ID: 628470). This variant has not been reported in the literature in individuals affected with NBN-related conditions. This variant is not present in population databases (ExAC no frequency). This sequence change replaces leucine with valine at codon 719 of the NBN protein (p.Leu719Val). The leucine residue is moderately conserved and there is a small physicochemical difference between leucine and valine. In summary, the available evidence is currently insufficient to determine the role of this variant in disease. Therefore, it has been classified as a Variant of Uncertain Significance.